The following is an entry in ClinVar:

ClinVar aggregate classification (germline): Uncertain significance (1 of 4 stars; one submission).

Conditions:
2-aminoadipic 2-oxoadipic aciduria (AAKAD). Also called: Aminoadipic aciduria; ALPHA-AMINOADIPIC AND ALPHA-KETOADIPIC ACIDURIA. Identifiers: Orphanet 79154, MedGen C1859817, MONDO:0008774, OMIM 204750.

Submission:

Labcorp Genetics (formerly Invitae), Labcorp
Classification: Uncertain significance for 2-aminoadipic 2-oxoadipic aciduria. Last evaluated: 2023-04-18. Review status: criteria provided, single submitter. Criteria: Invitae Variant Classification Sherloc (09022015). Collection method: clinical testing. Allele origin: germline.
Comment: In summary, the available evidence is currently insufficient to determine the role of this variant in disease. Therefore, it has been classified as a Variant of Uncertain Significance. Advanced modeling of protein sequence and biophysical properties (such as structural, functional, and spatial information, amino acid conservation, physicochemical variation, residue mobility, and thermodynamic stability) performed at Invitae indicates that this missense variant is not expected to disrupt DHTKD1 protein function. This variant has not been reported in the literature in individuals affected with DHTKD1-related conditions. This variant is not present in population databases (gnomAD no frequency). This sequence change replaces phenylalanine, which is neutral and non-polar, with leucine, which is neutral and non-polar, at codon 841 of the DHTKD1 protein (p.Phe841Leu).

NM_018706.7(DHTKD1):c.2523C>A (p.Phe841Leu)

Gene: DHTKD1 (dehydrogenase E1 and transketolase domain containing 1; plus strand). Cytogenetic location: 10p14.
Variant type: single nucleotide variant.
Coding change: c.2523C>A on transcript NM_018706.7 (MANE Select); coding-DNA position 2523, C replaced by A.
Protein change: p.Phe841Leu; replaces phenylalanine 841 with leucine.
Molecular consequence: missense variant.
Genome position (GRCh38, 1-based): chr10:12,118,869, C>A. VCF-style: chr10-12118869-C-A. GRCh37 (hg19) VCF-style: chr10-12160868-C-A.
Other names: short protein forms F841L.
Identifiers: ClinVar variation 2857351 (VCV002857351.3), dbSNP rs12769375, ClinGen allele CA376016492.